The following is an entry in ClinVar:

ClinVar aggregate classification (germline): Benign/Likely benign. Review status: criteria provided, multiple submitters, no conflicts (2 of 4 stars). 6 submissions from 6 submitters: Benign (3); Likely benign (3). Last evaluated 2026-08-01.

Conditions:
RNF213-related disorder. Also called: RNF213-related condition.

Allele frequency attached by ClinVar (database versions not stated): 1000 Genomes Project 0.00040; 1000 Genomes Project 30x 0.00062; TOPMed 0.00400; gnomAD 0.00425 and 0.00432; ExAC 0.00452; gnomAD exomes 0.00458; ESP Exome Variant Server 0.00500.
gnomAD v4.1: 9,444 of 1,611,414 alleles (0.59%); highest among the groups gnomAD compares: Non-Finnish European, 0.67%; 41 homozygotes.

Submissions (40):

CeGaT Center for Human Genetics Tuebingen
Classification: Likely benign. Last evaluated: 2026-08-01. Review status: criteria provided, single submitter. Criteria: CeGaT Center For Human Genetics Tuebingen Variant Classification Criteria Version 2. Collection method: clinical testing. Allele origin: germline. Affected: yes. Observed: 16 variant alleles.
Comment: RNF213: BS2

Labcorp Genetics (formerly Invitae), Labcorp
Classification: Benign. Last evaluated: 2026-01-27. Review status: criteria provided, single submitter. Criteria: Invitae Variant Classification Sherloc (09022015). Collection method: clinical testing. Allele origin: germline.

PreventionGenetics, part of Exact Sciences
Classification: Likely benign for RNF213-related condition. Last evaluated: 2024-12-31. Review status: criteria provided, single submitter. Criteria: ACMG Guidelines, 2015. Collection method: clinical testing. Allele origin: germline.
Comment: This variant is classified as likely benign based on ACMG/AMP sequence variant interpretation guidelines (Richards et al. 2015 PMID: 25741868, with internal and published modifications).

Mayo Clinic Laboratories, Mayo Clinic
Classification: Benign. Last evaluated: 2024-12-20. Review status: criteria provided, single submitter. Criteria: ACMG Guidelines, 2015. Collection method: clinical testing. Allele origin: germline. Observed: 4 variant alleles.
Comment: BS1, BS2

Blueprint Genetics
Classification: Likely benign. Last evaluated: 2024-11-25. Review status: criteria provided, single submitter. Criteria: ACMG Guidelines, 2015. Collection method: clinical testing. Allele origin: germline.

Breakthrough Genomics
Classification: Benign. Review status: criteria provided, single submitter. Criteria: ACMG Guidelines, 2015. Collection method: not provided. Allele origin: germline. Inheritance: Autosomal dominant inheritance. Affected: yes.

Dr. Peter K. Rogan Lab, Western University
No classification provided (evidence only). Condition: Clear cell carcinoma of kidney. Review status: no classification provided. Collection method: in vitro. Allele origin: not applicable. Functional consequence: retained intron. Not counted in ClinVar's aggregate classification.

Dr. Peter K. Rogan Lab, Western University
No classification provided (evidence only). Condition: Clear cell carcinoma of kidney. Review status: no classification provided. Collection method: in vitro. Allele origin: not applicable. Functional consequence: retained intron. Not counted in ClinVar's aggregate classification.

Dr. Peter K. Rogan Lab, Western University
No classification provided (evidence only). Condition: Clear cell carcinoma of kidney. Review status: no classification provided. Collection method: in vitro. Allele origin: not applicable. Functional consequence: retained intron. Not counted in ClinVar's aggregate classification.

Dr. Peter K. Rogan Lab, Western University
No classification provided (evidence only). Condition: Lung cancer. Review status: no classification provided. Collection method: in vitro. Allele origin: not applicable. Functional consequence: retained intron. Not counted in ClinVar's aggregate classification.

Dr. Peter K. Rogan Lab, Western University
No classification provided (evidence only). Condition: Lung cancer. Review status: no classification provided. Collection method: in vitro. Allele origin: not applicable. Functional consequence: retained intron. Not counted in ClinVar's aggregate classification.

Dr. Peter K. Rogan Lab, Western University
No classification provided (evidence only). Condition: Melanoma. Review status: no classification provided. Collection method: in vitro. Allele origin: not applicable. Functional consequence: retained intron. Not counted in ClinVar's aggregate classification.

Dr. Peter K. Rogan Lab, Western University
No classification provided (evidence only). Condition: Familial cancer of breast. Review status: no classification provided. Collection method: in vitro. Allele origin: not applicable. Functional consequence: retained intron. Not counted in ClinVar's aggregate classification.

Dr. Peter K. Rogan Lab, Western University
No classification provided (evidence only). Condition: Familial cancer of breast. Review status: no classification provided. Collection method: in vitro. Allele origin: not applicable. Functional consequence: retained intron. Not counted in ClinVar's aggregate classification.

Dr. Peter K. Rogan Lab, Western University
No classification provided (evidence only). Condition: Familial cancer of breast. Review status: no classification provided. Collection method: in vitro. Allele origin: not applicable. Functional consequence: retained intron. Not counted in ClinVar's aggregate classification.

Dr. Peter K. Rogan Lab, Western University
No classification provided (evidence only). Condition: Familial cancer of breast. Review status: no classification provided. Collection method: in vitro. Allele origin: not applicable. Functional consequence: retained intron. Not counted in ClinVar's aggregate classification.

Dr. Peter K. Rogan Lab, Western University
No classification provided (evidence only). Condition: Familial cancer of breast. Review status: no classification provided. Collection method: in vitro. Allele origin: not applicable. Functional consequence: retained intron. Not counted in ClinVar's aggregate classification.

Dr. Peter K. Rogan Lab, Western University
No classification provided (evidence only). Condition: Familial cancer of breast. Review status: no classification provided. Collection method: in vitro. Allele origin: not applicable. Functional consequence: retained intron. Not counted in ClinVar's aggregate classification.

Dr. Peter K. Rogan Lab, Western University
No classification provided (evidence only). Condition: Familial cancer of breast. Review status: no classification provided. Collection method: in vitro. Allele origin: not applicable. Functional consequence: retained intron. Not counted in ClinVar's aggregate classification.

Dr. Peter K. Rogan Lab, Western University
No classification provided (evidence only). Condition: Familial cancer of breast. Review status: no classification provided. Collection method: in vitro. Allele origin: not applicable. Functional consequence: retained intron. Not counted in ClinVar's aggregate classification.

Dr. Peter K. Rogan Lab, Western University
No classification provided (evidence only). Condition: Acute myeloid leukemia. Review status: no classification provided. Collection method: in vitro. Allele origin: not applicable. Functional consequence: retained intron. Not counted in ClinVar's aggregate classification.

Dr. Peter K. Rogan Lab, Western University
No classification provided (evidence only). Condition: Acute myeloid leukemia. Review status: no classification provided. Collection method: in vitro. Allele origin: not applicable. Functional consequence: retained intron. Not counted in ClinVar's aggregate classification.

Dr. Peter K. Rogan Lab, Western University
No classification provided (evidence only). Condition: Colon adenocarcinoma. Review status: no classification provided. Collection method: in vitro. Allele origin: not applicable. Functional consequence: retained intron. Not counted in ClinVar's aggregate classification.

Dr. Peter K. Rogan Lab, Western University
No classification provided (evidence only). Condition: Colon adenocarcinoma. Review status: no classification provided. Collection method: in vitro. Allele origin: not applicable. Functional consequence: retained intron. Not counted in ClinVar's aggregate classification.

Dr. Peter K. Rogan Lab, Western University
No classification provided (evidence only). Condition: Colon adenocarcinoma. Review status: no classification provided. Collection method: in vitro. Allele origin: not applicable. Functional consequence: retained intron. Not counted in ClinVar's aggregate classification.

Dr. Peter K. Rogan Lab, Western University
No classification provided (evidence only). Condition: Colon adenocarcinoma. Review status: no classification provided. Collection method: in vitro. Allele origin: not applicable. Functional consequence: retained intron. Not counted in ClinVar's aggregate classification.

Dr. Peter K. Rogan Lab, Western University
No classification provided (evidence only). Condition: Colorectal cancer. Review status: no classification provided. Collection method: in vitro. Allele origin: not applicable. Functional consequence: retained intron. Not counted in ClinVar's aggregate classification.

Dr. Peter K. Rogan Lab, Western University
No classification provided (evidence only). Condition: Uterine corpus endometrial carcinoma. Review status: no classification provided. Collection method: in vitro. Allele origin: not applicable. Functional consequence: retained intron. Not counted in ClinVar's aggregate classification.

Dr. Peter K. Rogan Lab, Western University
No classification provided (evidence only). Condition: Cervical cancer. Review status: no classification provided. Collection method: in vitro. Allele origin: not applicable. Functional consequence: retained intron. Not counted in ClinVar's aggregate classification.

Dr. Peter K. Rogan Lab, Western University
No classification provided (evidence only). Condition: Cervical cancer. Review status: no classification provided. Collection method: in vitro. Allele origin: not applicable. Functional consequence: retained intron. Not counted in ClinVar's aggregate classification.

Dr. Peter K. Rogan Lab, Western University
No classification provided (evidence only). Condition: Cervical cancer. Review status: no classification provided. Collection method: in vitro. Allele origin: not applicable. Functional consequence: skipped exon, retained intron. Not counted in ClinVar's aggregate classification.

Dr. Peter K. Rogan Lab, Western University
No classification provided (evidence only). Condition: Sarcoma. Review status: no classification provided. Collection method: in vitro. Allele origin: not applicable. Functional consequence: retained intron. Not counted in ClinVar's aggregate classification.

Dr. Peter K. Rogan Lab, Western University
No classification provided (evidence only). Condition: Nonpapillary renal cell carcinoma. Review status: no classification provided. Collection method: in vitro. Allele origin: not applicable. Functional consequence: retained intron. Not counted in ClinVar's aggregate classification.

Dr. Peter K. Rogan Lab, Western University
No classification provided (evidence only). Condition: Ovarian serous cystadenocarcinoma. Review status: no classification provided. Collection method: in vitro. Allele origin: not applicable. Functional consequence: retained intron. Not counted in ClinVar's aggregate classification.

Dr. Peter K. Rogan Lab, Western University
No classification provided (evidence only). Condition: Ovarian serous cystadenocarcinoma. Review status: no classification provided. Collection method: in vitro. Allele origin: not applicable. Functional consequence: retained intron. Not counted in ClinVar's aggregate classification.

Dr. Peter K. Rogan Lab, Western University
No classification provided (evidence only). Condition: Gastric cancer. Review status: no classification provided. Collection method: in vitro. Allele origin: not applicable. Functional consequence: retained intron. Not counted in ClinVar's aggregate classification.

Dr. Peter K. Rogan Lab, Western University
No classification provided (evidence only). Condition: Gastric cancer. Review status: no classification provided. Collection method: in vitro. Allele origin: not applicable. Functional consequence: retained intron. Not counted in ClinVar's aggregate classification.

Dr. Peter K. Rogan Lab, Western University
No classification provided (evidence only). Condition: Adrenocortical carcinoma, hereditary. Review status: no classification provided. Collection method: in vitro. Allele origin: not applicable. Functional consequence: retained intron. Not counted in ClinVar's aggregate classification.

Dr. Peter K. Rogan Lab, Western University
No classification provided (evidence only). Condition: Malignant tumor of esophagus. Review status: no classification provided. Collection method: in vitro. Allele origin: not applicable. Functional consequence: retained intron. Not counted in ClinVar's aggregate classification.

Dr. Peter K. Rogan Lab, Western University
No classification provided (evidence only). Condition: Malignant tumor of esophagus. Review status: no classification provided. Collection method: in vitro. Allele origin: not applicable. Functional consequence: retained intron. Not counted in ClinVar's aggregate classification.

NM_001256071.3(RNF213):c.13510+4A>G

Genes: RNF213 (ring finger protein 213; plus strand), RNF213-AS1 (RNF213 antisense RNA 1; minus strand). Cytogenetic location: 17q25.3.
Variant type: single nucleotide variant.
Coding change: c.13510+4A>G on transcript NM_001256071.3 (MANE Select); 4 bases into the intron after coding-DNA position 13510, A replaced by G.
Molecular consequence: intron variant.
Genome position (GRCh38, 1-based): chr17:80,376,967, A>G. VCF-style: chr17-80376967-A-G. GRCh37 (hg19) VCF-style: chr17-78350767-A-G.
Other names: p.?.
Identifiers: ClinVar variation 713384 (VCV000713384.37), dbSNP rs139279361, ClinGen allele CA8822603.
Genomic context (GRCh38, chr17:80,376,967, plus strand): 5'-AAGACTTGCTGGCTCAAGCTCGGAGGTGGAAGGGTCTGGAGCGAGTCCACTGGTACAGTA[A>G]GTGTTGGGGTCTAGATGACCCCACACTCCTTTGAGCTTCAAAGGGTGTCCAGATGCTATG-3'